The following is an entry in ClinVar:

ClinVar aggregate classification (germline): Pathogenic. Review status: criteria provided, multiple submitters, no conflicts (2 of 4 stars). 6 submissions from 6 submitters: Pathogenic (5). 1 of the submissions does not count toward it. Last evaluated 2026-05-07.

Conditions:
PKD1-related disorder. Also called: PKD1-related condition.
Polycystic kidney disease, adult type (PKD1). Also called: POLYCYSTIC KIDNEY DISEASE, ADULT, TYPE I; Polycystic Kidney Disease 1, Autosomal Dominant; Polycystic kidney disease 1; Polycystic kidney disease 1, severe; Polycystic Kidney, Autosomal Dominant; POLYCYSTIC KIDNEY DISEASE 1 WITH OR WITHOUT POLYCYSTIC LIVER DISEASE. Identifiers: MedGen C3149841, MONDO:0008263, OMIM 173900.
Polycystic kidney disease. Also called: Kidney, Polycystic; Polycystic kidney dysplasia. Identifiers: MedGen C0022680, MeSH D007690, MONDO:0020642, HP:0000113.

Submissions (6):

Victorian Clinical Genetics Services, Murdoch Childrens Research Institute
Classification: Pathogenic for Polycystic kidney disease, adult type. Last evaluated: 2026-05-07. Review status: criteria provided, single submitter. Criteria: ACMG Guidelines, 2015. Collection method: clinical testing. Allele origin: germline. Affected: yes.
Comment: This variant is classified as Pathogenic. Evidence in support of pathogenic classification: Variant is predicted to cause nonsense-mediated decay (NMD) and loss of protein (premature termination codon is located at least 54 nucleotides upstream of the final exon-exon junction); Variant is absent from gnomAD (v2, v3 and v4); This variant has moderate previous evidence of pathogenicity in unrelated individuals. This variant is classified as pathogenic by clinical laboratories in ClinVar; Other NMD-predicted variant(s) comparable to the one identified in this case have very strong previous evidence for pathogenicity (DECIPHER). Additional information: This variant is heterozygous; This gene is associated with autosomal dominant disease. Polycystic kidney disease 1 (MIM#173900) is predominantly caused by monoallelic variants, with rare reports of biallelic variants causing disease (OMIM); Loss of function is a known mechanism of disease in this gene and is associated with polycystic kidney disease 1 (MIM#173900); Inheritance information for this variant is not currently available in this individual.

Mayo Clinic Laboratories, Mayo Clinic
Classification: Pathogenic. Last evaluated: 2025-10-23. Review status: criteria provided, single submitter. Criteria: ACMG Guidelines, 2015. Collection method: clinical testing. Allele origin: germline. Observed: 1 variant allele.
Comment: PM2_supporting, PS4_moderate, PVS1

Mendelics
Classification: Pathogenic for Polycystic kidney disease, adult type. Last evaluated: 2022-05-04. Review status: criteria provided, single submitter. Criteria: Mendelics Assertion Criteria 2019. Collection method: clinical testing. Allele origin: germline.

Blueprint Genetics
Classification: Pathogenic for PKD1-related disorders. Last evaluated: 2021-02-22. Review status: criteria provided, single submitter. Criteria: ACMG Guidelines, 2015. Collection method: clinical testing. Allele origin: germline. Affected: yes. Observed: 1 variant allele.

Juno Genomics, Hangzhou Juno Genomics, Inc
Classification: Pathogenic for Polycystic kidney disease, adult type. Review status: criteria provided, single submitter. Criteria: ACMG Guidelines, 2015. Collection method: clinical testing. Allele origin: germline. Affected: yes.
Comment: Null variant in a gene where loss of function (LOF) is a known mechanism of disease.;Absent from controls (or at extremely low frequency if recessive) in Genome Aggregation Database, Exome Sequencing Project, 1000 Genomes Project, or Exome Aggregation Consortium.;Patient's phenotype or family history is highly specific for a disease with a single genetic etiology.;The prevalence of the variant in affected individuals is significantly increased compared to the prevalence in controls.

Department of Pathology and Laboratory Medicine, Sinai Health System
Classification: Pathogenic for Polycystic Kidney disease. Review status: no assertion criteria provided. Collection method: clinical testing. Allele origin: unknown. Affected: yes. Study: The Canadian Open Genetics Repository (COGR). Not counted in ClinVar's aggregate classification.
Comment: The PKD1 p.Gln3821X variant was not identified in the literature nor was it identified in the 1000 Genomes Project, NHLBI GO Exome Sequencing Project (ESP), the Exome Aggregation Consortium (Mar 14, 2016) databases. In addition, the variant was also not identified in the dbSNP, Clinvitae, ClinVar, GeneInsight COGR, MutDB, ADPKD Mutation, PKD1-LOVD, and PKD1-LOVD 3.0 databases. The p.Gln3821X variant leads to a premature stop codon at position 3821, which is predicted to lead to a truncated or absent protein and loss of function. Loss of function variants of the PKD1 gene are an established mechanism of disease in autosomal dominant polycystic kidney disease and is the type of variant expected to cause the disorder. In summary, based on the above information, this variant meets our laboratoryâ€šÃ„Ã´s criteria to be classified as pathogenic.

Literature cited by the submitters: PubMed 10854095 (cited by Mayo Clinic Laboratories, Mayo Clinic); PubMed 22508176 (cited by Mayo Clinic Laboratories, Mayo Clinic); PubMed 36833371 (cited by Mayo Clinic Laboratories, Mayo Clinic).

NM_001009944.3(PKD1):c.11461C>T (p.Gln3821Ter)

Genes: PKD1 (polycystin 1, transient receptor potential channel interacting; minus strand), PKD1-AS1 (PKD1 antisense RNA 1; plus strand). Cytogenetic location: 16p13.3.
Variant type: single nucleotide variant.
Coding change: c.11461C>T on transcript NM_001009944.3 (MANE Select); coding-DNA position 11461, C replaced by T.
Protein change: p.Gln3821Ter; replaces glutamine 3821 with a stop codon.
Molecular consequence: nonsense.
Genome position (GRCh38, 1-based): chr16:2,091,857, G>A on the plus strand (C>T on the coding strand, the complement: PKD1 is on the minus strand). VCF-style: chr16-2091857-G-A. GRCh37 (hg19) VCF-style: chr16-2141858-G-A.
Other names: c.11458C>T, p.Gln3820Ter (NM_000296.4); short protein forms Q3821*, Q3820*.
Identifiers: ClinVar variation 434003 (VCV000434003.8), dbSNP rs1325300747, ClinGen allele CA394333122.